The following is an entry in ClinVar:

NM_033100.4(CDHR1):c.1068G>C (p.Glu356Asp)

Gene: CDHR1 (cadherin related family member 1; plus strand). Cytogenetic location: 10q23.1.
Variant type: single nucleotide variant.
Coding change: c.1068G>C on transcript NM_033100.4 (MANE Select); coding-DNA position 1068, G replaced by C.
Protein change: p.Glu356Asp; replaces glutamic acid 356 with aspartic acid.
Molecular consequence: missense variant.
Genome position (GRCh38, 1-based): chr10:84,208,278, G>C. VCF-style: chr10-84208278-G-C. GRCh37 (hg19) VCF-style: chr10-85968034-G-C.
Other names: c.1068G>C, p.Glu356Asp (NM_001171971.3); c.1068G>C (NM_033100.2); short protein forms E356D.
Identifiers: ClinVar variation 1907948 (VCV001907948.4), dbSNP rs144302622, ClinGen allele CA5579825.
Genomic context (GRCh38, chr10:84,208,278, plus strand): 5'-CGTCCCAGTCACCATCAGGATTGTGGACCTCAACAACCACCCGCCAACATTCTATGGAGA[G>C]AGCGGACCCCAAAACAGGTTTGAGCTGTCCATGAATGAGCACCCACCCCAGGGAGAGATC-3'
Protein context (NP_149091.1, residues 346-366): LNNHPPTFYG[Glu356Asp]SGPQNRFELS

ClinVar aggregate classification (germline): Uncertain significance. Review status: criteria provided, multiple submitters, no conflicts (2 of 4 stars). 3 submissions from 3 submitters: Uncertain significance (3). Last evaluated 2025-05-21.

Conditions:
Inborn genetic diseases. Identifiers: MedGen C0950123, MeSH D030342.

Allele frequency attached by ClinVar (database versions not stated): gnomAD 0.00003; TOPMed 0.00006; ESP Exome Variant Server 0.00008.
gnomAD v4.1: 14 of 1,614,024 alleles (0.00087%); highest among the groups gnomAD compares: Middle Eastern, 0.016%; no homozygotes.

Submissions (3):

Ambry Genetics
Classification: Uncertain significance for Inborn genetic diseases. Last evaluated: 2025-05-21. Review status: criteria provided, single submitter. Criteria: Ambry Variant Classification Scheme 2023. Collection method: clinical testing. Allele origin: germline.

Blueprint Genetics
Classification: Uncertain significance. Last evaluated: 2022-10-28. Review status: criteria provided, single submitter. Criteria: ACMG Guidelines, 2015. Collection method: clinical testing. Allele origin: germline.

Labcorp Genetics (formerly Invitae), Labcorp
Classification: Uncertain significance. Last evaluated: 2022-08-05. Review status: criteria provided, single submitter. Criteria: Invitae Variant Classification Sherloc (09022015). Collection method: clinical testing. Allele origin: germline.
Comment: This sequence change replaces glutamic acid, which is acidic and polar, with aspartic acid, which is acidic and polar, at codon 356 of the CDHR1 protein (p.Glu356Asp). This variant is present in population databases (rs144302622, gnomAD 0.02%). This variant has not been reported in the literature in individuals affected with CDHR1-related conditions. Advanced modeling of protein sequence and biophysical properties (such as structural, functional, and spatial information, amino acid conservation, physicochemical variation, residue mobility, and thermodynamic stability) performed at Invitae indicates that this missense variant is not expected to disrupt CDHR1 protein function. In summary, the available evidence is currently insufficient to determine the role of this variant in disease. Therefore, it has been classified as a Variant of Uncertain Significance.